The following is an entry in ClinVar:

ClinVar aggregate classification (germline): Benign/Likely benign. Review status: criteria provided, multiple submitters, no conflicts (2 of 4 stars). 2 submissions from 2 submitters: Benign (1); Likely benign (1). Last evaluated 2025-06-30.

Conditions:
IGBP1-related disorder. Also called: IGBP1-related condition.

Allele frequency attached by ClinVar (database versions not stated): gnomAD exomes 0.00009 and 0.00026; ExAC 0.00032; gnomAD 0.00069 and 0.00073; TOPMed 0.00089; 1000 Genomes Project 0.00106; ESP Exome Variant Server 0.00114; 1000 Genomes Project 30x 0.00125.
gnomAD v4.1: 186 of 1,209,254 alleles (0.015%); highest among the groups gnomAD compares: African/African-American, 0.29%; no homozygotes.

Submissions (2):

PreventionGenetics, part of Exact Sciences
Classification: Likely benign for IGBP1-related condition. Last evaluated: 2025-06-30. Review status: criteria provided, single submitter. Criteria: ACMG Guidelines, 2015. Collection method: clinical testing. Allele origin: germline.
Comment: This variant is classified as likely benign based on ACMG/AMP sequence variant interpretation guidelines (Richards et al. 2015 PMID: 25741868, with internal and published modifications).

Labcorp Genetics (formerly Invitae), Labcorp
Classification: Benign. Last evaluated: 2018-04-06. Review status: criteria provided, single submitter. Criteria: Invitae Variant Classification Sherloc (09022015). Collection method: clinical testing. Allele origin: germline.

NM_001551.3(IGBP1):c.15C>T (p.Asp5=)

Genes: IGBP1 (immunoglobulin binding protein 1; plus strand), LOC130068396 (ATAC-STARR-seq lymphoblastoid active region 29728; plus strand). Cytogenetic location: Xq13.1.
Variant type: single nucleotide variant.
Coding change: c.15C>T on transcript NM_001551.3 (MANE Select); coding-DNA position 15, C replaced by T.
Protein change: p.Asp5=; no amino-acid change (aspartic acid 5 retained).
Molecular consequence: synonymous variant.
Genome position (GRCh38, 1-based): chrX:70,133,962, C>T. VCF-style: chrX-70133962-C-T. GRCh37 (hg19) VCF-style: chrX-69353812-C-T.
Other names: c.15C>T, p.Asp5= (NM_001370192.1, NM_001370193.1, NM_001370194.1).
Identifiers: ClinVar variation 709966 (VCV000709966.4), dbSNP rs147789194, ClinGen allele CA10439411.
Genomic context (GRCh38, chrX:70,133,962, plus strand): 5'-CCTTTGACCCCGGAAAAGAGATCTTCCGGGTTCCTCTCTCCCCAAGATGGCTGCTGAGGA[C>T]GAGTTACAGCTGCCGCGGCTCCCCGAGCTGTTCGAAACTGGTAGACAGTTACTGGACGAA-3'
Protein context (NP_001542.1, residues 1-15): MAAE[Asp5=]ELQLPRLPEL